The following is an entry in ClinVar:

ClinVar aggregate classification (germline): Conflicting classifications of pathogenicity. Review status: criteria provided, conflicting classifications (1 of 4 stars). 3 submissions from 3 submitters: Uncertain significance (2); Benign (1). Last evaluated 2026-09-01.

Conditions:
Familial thoracic aortic aneurysm and aortic dissection (TAAD). Also called: Thoracic aortic aneurysms and dissections. Identifiers: Orphanet 91387, MedGen C4707243, MONDO:0019625.
Oto-palato-digital syndrome, type II (OPD2). Also called: Otopalatodigital Syndrome Type 2 (FLNA-OPD2); FACIOPALATOOSSEOUS SYNDROME; OPD II SYNDROME; Otopalatodigital Syndrome, Type II. Identifiers: Orphanet 669, Orphanet 90652, MedGen C1844696, MONDO:0010571, OMIM 304120.
Heterotopia, periventricular, X-linked dominant (PVNH1). Also called: PERIVENTRICULAR NODULAR HETEROTOPIA 4; HETEROTOPIA, PERIVENTRICULAR, 1; PERIVENTRICULAR NODULAR HETEROTOPIA 1; X-linked periventricular heterotopia. Identifiers: Orphanet 2149, Orphanet 82004, MedGen C1848213, MONDO:0010233, OMIM 300049.
Melnick-Needles syndrome (MNS). Also called: Melnick-Needles Syndrome (FLNA-MNS); MELNICK-NEEDLES OSTEODYSPLASTY; OSTEODYSPLASTY OF MELNICK AND NEEDLES. Identifiers: Orphanet 2484, MedGen C0025237, MONDO:0010650, OMIM 309350.
Frontometaphyseal dysplasia (FMD1). Identifiers: Orphanet 1826, MedGen C0265293, MONDO:0015942.

Allele frequency attached by ClinVar (database versions not stated): gnomAD exomes 0.00001.
gnomAD v4.1: 1 of 1,206,490 alleles (0.000083%); highest among the groups gnomAD compares: African/African-American, 0.0017%; no homozygotes.

Submissions (3):

Ambry Genetics
Classification: Uncertain significance for Familial thoracic aortic aneurysm and aortic dissection. Last evaluated: 2026-09-01. Review status: criteria provided, single submitter. Criteria: Ambry Variant Classification Scheme 2023. Collection method: clinical testing. Allele origin: germline.
Comment: The c.5257T>C (p.Y1753H) alteration is located in exon 31 (coding exon 30) of the FLNA gene. This alteration results from a T to C substitution at nucleotide position 5257, causing the tyrosine (Y) at amino acid position 1753 to be replaced by a histidine (H). Based on data from gnomAD, the C allele has an overall frequency of 0.001% (1/163804) total alleles studied. The highest observed frequency was 0.009% (1/10948) of African alleles. Based on insufficient or conflicting evidence, the clinical significance of this alteration remains unclear.

GeneDx
Classification: Uncertain significance. Last evaluated: 2025-03-04. Review status: criteria provided, single submitter. Criteria: GeneDx Variant Classification Process June 2021. Collection method: clinical testing. Allele origin: germline. Affected: yes.
Comment: Has not been previously published as pathogenic or benign to our knowledge; In silico analysis indicates that this missense variant does not alter protein structure/function; Not observed at significant frequency in large population cohorts (gnomAD)

Labcorp Genetics (formerly Invitae), Labcorp
Classification: Benign for Oto-palato-digital syndrome, type II; Heterotopia, periventricular, X-linked dominant; Frontometaphyseal dysplasia; Melnick-Needles syndrome. Last evaluated: 2024-10-16. Review status: criteria provided, single submitter. Criteria: Invitae Variant Classification Sherloc (09022015). Collection method: clinical testing. Allele origin: germline.

NM_001110556.2(FLNA):c.5281T>C (p.Tyr1761His)

Gene: FLNA (filamin A; minus strand). Cytogenetic location: Xq28.
Variant type: single nucleotide variant.
Coding change: c.5281T>C on transcript NM_001110556.2 (MANE Select); coding-DNA position 5281, T replaced by C.
Protein change: p.Tyr1761His; replaces tyrosine 1761 with histidine.
Molecular consequence: missense variant.
Genome position (GRCh38, 1-based): chrX:154,354,648, A>G on the plus strand (T>C on the coding strand, the complement: FLNA is on the minus strand). VCF-style: chrX-154354648-A-G. GRCh37 (hg19) VCF-style: chrX-153583016-A-G.
Other names: c.5257T>C, p.Tyr1753His (NM_001456.4); short protein forms Y1753H, Y1761H.
Identifiers: ClinVar variation 1212354 (VCV001212354.13), dbSNP rs1293701269, ClinGen allele CA415206399.